The following is an entry in ClinVar:

ClinVar aggregate classification (germline): Uncertain significance (1 of 4 stars; one submission).

gnomAD v4.1: 10 of 1,565,812 alleles (0.00064%); highest among the groups gnomAD compares: Non-Finnish European, 0.00086%; no homozygotes.

Submission:

Ambry Genetics
Classification: Uncertain significance. Last evaluated: 2024-11-22. Review status: criteria provided, single submitter. Criteria: Ambry Variant Classification Scheme 2023. Collection method: clinical testing. Allele origin: germline.
Comment: The p.P43L variant (also known as c.128C>T), located in coding exon 1 of the ATRIP gene, results from a C to T substitution at nucleotide position 128. The proline at codon 43 is replaced by leucine, an amino acid with similar properties. This amino acid position is conserved. In addition, this alteration is predicted to be tolerated by in silico analysis. Based on the available evidence, the clinical significance of this variant remains unclear.

NM_130384.3(ATRIP):c.128C>T (p.Pro43Leu)

Genes: ATRIP (ATR interacting protein; plus strand), ATRIP-TREX1 (ATRIP-TREX1 readthrough; plus strand), LOC129936703 (ATAC-STARR-seq lymphoblastoid silent region 14331; plus strand). Cytogenetic location: 3p21.31.
Variant type: single nucleotide variant.
Coding change: c.128C>T on transcript NM_130384.3 (MANE Select); coding-DNA position 128, C replaced by T.
Protein change: p.Pro43Leu; replaces proline 43 with leucine.
Molecular consequence: missense variant. On other transcripts: non-coding transcript variant (1), intron variant (1).
Genome position (GRCh38, 1-based): chr3:48,446,973, C>T. VCF-style: chr3-48446973-C-T. GRCh37 (hg19) VCF-style: chr3-48488377-C-T.
Other names: c.128C>T, p.Pro43Leu (NM_032166.4); c.-218+174C>T (NM_001271022.2); short protein forms P43L.
Identifiers: ClinVar variation 3464267 (VCV003464267.1).